The following is an entry in ClinVar:

NM_032634.4(PIGO):c.2315G>A (p.Gly772Asp)

Gene: PIGO (phosphatidylinositol glycan anchor biosynthesis class O; minus strand). Cytogenetic location: 9p13.3.
Variant type: single nucleotide variant.
Coding change: c.2315G>A on transcript NM_032634.4 (MANE Select); coding-DNA position 2315, G replaced by A.
Protein change: p.Gly772Asp; replaces glycine 772 with aspartic acid.
Molecular consequence: missense variant. On other transcripts: intron variant (2).
Genome position (GRCh38, 1-based): chr9:35,091,572, C>T on the plus strand (G>A on the coding strand, the complement: PIGO is on the minus strand). VCF-style: chr9-35091572-C-T. GRCh37 (hg19) VCF-style: chr9-35091569-C-T.
Other names: c.1345-281G>A (NM_152850.4, NM_001201484.2); short protein forms G772D.
Identifiers: ClinVar variation 1053242 (VCV001053242.9), dbSNP rs2131074331, ClinGen allele CA373320254.

ClinVar aggregate classification (germline): Uncertain significance (1 of 4 stars; one submission).

Conditions:
Hyperphosphatasia with impaired intellectual development syndrome 2. Also called: Hyperphosphatasia with intellectual disability syndrome 2; GLYCOSYLPHOSPHATIDYLINOSITOL BIOSYNTHESIS DEFECT 6. Identifiers: Orphanet 247262, MedGen C3553637, MONDO:0013882, OMIM 614749.

Allele frequency attached by ClinVar (database versions not stated): gnomAD exomes below 0.00001.

Submission:

Labcorp Genetics (formerly Invitae), Labcorp
Classification: Uncertain significance for Hyperphosphatasia with impaired intellectual development syndrome 2. Last evaluated: 2020-07-29. Review status: criteria provided, single submitter. Criteria: Invitae Variant Classification Sherloc (09022015). Collection method: clinical testing. Allele origin: germline.
Comment: In summary, the available evidence is currently insufficient to determine the role of this variant in disease. Therefore, it has been classified as a Variant of Uncertain Significance. Algorithms developed to predict the effect of missense changes on protein structure and function (SIFT, PolyPhen-2, Align-GVGD) all suggest that this variant is likely to be tolerated, but these predictions have not been confirmed by published functional studies and their clinical significance is uncertain. This variant has not been reported in the literature in individuals with PIGO-related conditions. This variant is not present in population databases (ExAC no frequency). This sequence change replaces glycine with aspartic acid at codon 772 of the PIGO protein (p.Gly772Asp). The glycine residue is weakly conserved and there is a moderate physicochemical difference between glycine and aspartic acid.